The following is an entry in ClinVar:

NM_181332.3(NLGN4X):c.1491C>T (p.Phe497=)

Gene: NLGN4X (neuroligin 4 X-linked; minus strand). Cytogenetic location: Xp22.32.
Variant type: single nucleotide variant.
Coding change: c.1491C>T on transcript NM_181332.3 (MANE Select); coding-DNA position 1491, C replaced by T.
Protein change: p.Phe497=; no amino-acid change (phenylalanine 497 retained).
Molecular consequence: synonymous variant.
Genome position (GRCh38, 1-based): chrX:5,903,187, G>A on the plus strand (C>T on the coding strand, the complement: NLGN4X is on the minus strand). VCF-style: chrX-5903187-G-A. GRCh37 (hg19) VCF-style: chrX-5821228-G-A.
Other names: c.1491C>T, p.Phe497= (NM_001282145.2, NM_001282146.2, NM_020742.4).
Identifiers: ClinVar variation 2659899 (VCV002659899.24), dbSNP rs767356819, ClinGen allele CA10341010.

ClinVar aggregate classification (germline): Likely benign (1 of 4 stars; one submission).

Allele frequency attached by ClinVar (database versions not stated): gnomAD exomes 0.00004; ExAC 0.00006; gnomAD 0.00009; TOPMed 0.00017.
gnomAD v4.1: 67 of 1,210,504 alleles (0.0055%); highest among the groups gnomAD compares: African/African-American, 0.007%; 1 homozygote.

Submission:

CeGaT Center for Human Genetics Tuebingen
Classification: Likely benign. Last evaluated: 2022-04-01. Review status: criteria provided, single submitter. Criteria: CeGaT Center For Human Genetics Tuebingen Variant Classification Criteria Version 2. Collection method: clinical testing. Allele origin: germline. Affected: yes. Observed: 1 variant allele.
Comment: NLGN4X: BP4, BP7